The following is an entry in ClinVar:

ClinVar aggregate classification (germline): Uncertain significance. Review status: criteria provided, multiple submitters, no conflicts (2 of 4 stars). 2 submissions from 2 submitters: Uncertain significance (2). Last evaluated 2018-10-31.

Conditions:
Generalized epilepsy with febrile seizures plus, type 7 (GEFSP7). Also called: GEFS+, TYPE 7. Identifiers: Orphanet 36387, MedGen C2751778, MONDO:0013470, OMIM 613863.
Neuropathy, hereditary sensory and autonomic, type 2A (HSAN2A). Also called: HSAN IIA; WNK1-Related HSAN2 (HSAN2A); ACROOSTEOLYSIS, GIACCAI TYPE; ACROOSTEOLYSIS, NEUROGENIC; MORVAN DISEASE; NEUROPATHY, CONGENITAL SENSORY. Identifiers: Orphanet 970, MedGen C2752089, MONDO:0024309, OMIM 201300.
Primary erythromelalgia. Also called: SCN9A Erythromelalgia (SCN9A-EM); primary erythermalgia. Identifiers: Orphanet 306577, Orphanet 90026, MedGen C0014805, MONDO:0007571, OMIM 133020.
Severe myoclonic epilepsy in infancy (DRVT). Also called: Dravet syndrome; SEVERE MYOCLONIC EPILEPSY OF INFANCY; DEVELOPMENTAL AND EPILEPTIC ENCEPHALOPATHY 6A; Severe Myoclonic Epilepsy in Infancy (SMEI); Epileptic encephalopathy, early infantile, 6 (Dravet syndrome). Identifiers: Orphanet 33069, MedGen C0751122, MONDO:0100135, OMIM 607208.
Paroxysmal extreme pain disorder (PEXPD). Also called: SCN9A Paroxysmal Extreme Pain Disorder (SCN9A-PEPD); RECTAL PAIN, FAMILIAL; PAIN, SUBMANDIBULAR, OCULAR, AND RECTAL, WITH FLUSHING. Identifiers: Orphanet 46348, MedGen C1833661, MONDO:0008179, OMIM 167400.
Channelopathy-associated congenital insensitivity to pain, autosomal recessive. Also called: Insensitivity to pain, channelopathy-associated; ASYMBOLIA FOR PAIN; CONGENITAL ANALGESIA, AUTOSOMAL RECESSIVE. Identifiers: Orphanet 88642, Orphanet 970, MedGen C1855739, MONDO:0009459, OMIM 243000.

Submissions (2):

Fulgent Genetics
Classification: Uncertain significance for Primary erythromelalgia; Paroxysmal extreme pain disorder; Neuropathy, hereditary sensory and autonomic, type 2A; Channelopathy-associated congenital insensitivity to pain, autosomal recessive; Severe myoclonic epilepsy in infancy; Generalized epilepsy with febrile seizures plus, type 7. Last evaluated: 2018-10-31. Review status: criteria provided, single submitter. Criteria: ACMG Guidelines, 2015. Collection method: clinical testing. Allele origin: unknown.

Labcorp Genetics (formerly Invitae), Labcorp
Classification: Uncertain significance for Neuropathy, hereditary sensory and autonomic, type 2A; Generalized epilepsy with febrile seizures plus, type 7. Last evaluated: 2017-06-08. Review status: criteria provided, single submitter. Criteria: Invitae Variant Classification Sherloc (09022015). Collection method: clinical testing. Allele origin: germline.
Comment: In summary, this variant has uncertain impact on SCN9A function. The available evidence is currently insufficient to determine its role in disease. Therefore, it has been classified as a Variant of Uncertain Significance. Algorithms developed to predict the effect of missense changes on protein structure and function do not agree on the potential impact of this missense change (SIFT: "Deleterious"; PolyPhen-2: "Probably Damaging"; Align-GVGD: "Class C0"). This variant has not been reported in the literature in individuals with an SCN9A-related disease. This variant is not present in population databases (ExAC no frequency). This sequence change replaces isoleucine with methionine at codon 1445 of the SCN9A protein (p.Ile1445Met). The isoleucine residue is highly conserved and there is a small physicochemical difference between isoleucine and methionine.

NM_001365536.1(SCN9A):c.4368C>G (p.Ile1456Met)

Genes: SCN1A-AS1 (SCN1A and SCN9A antisense RNA 1; plus strand), SCN9A (sodium voltage-gated channel alpha subunit 9; minus strand). Cytogenetic location: 2q24.3.
Variant type: single nucleotide variant.
Coding change: c.4368C>G on transcript NM_001365536.1 (MANE Select); coding-DNA position 4368, C replaced by G.
Protein change: p.Ile1456Met; replaces isoleucine 1456 with methionine.
Molecular consequence: missense variant.
Genome position (GRCh38, 1-based): chr2:166,226,597, G>C on the plus strand (C>G on the coding strand, the complement: SCN9A is on the minus strand). VCF-style: chr2-166226597-G-C. GRCh37 (hg19) VCF-style: chr2-167083107-G-C.
Other names: c.4335C>G, p.Ile1445Met (NM_002977.4); short protein forms I1445M, I1456M.
Identifiers: ClinVar variation 471128 (VCV000471128.10), dbSNP rs1362318488, ClinGen allele CA349061886.